The following is an entry in ClinVar:

NM_201384.3(PLEC):c.9966C>T (p.Val3322=)

Gene: PLEC (plectin; minus strand). Cytogenetic location: 8q24.3.
Variant type: single nucleotide variant.
Coding change: c.9966C>T on transcript NM_201384.3 (MANE Select); coding-DNA position 9966, C replaced by T.
Protein change: p.Val3322=; no amino-acid change (valine 3322 retained).
Molecular consequence: synonymous variant.
Genome position (GRCh38, 1-based): chr8:143,919,855, G>A on the plus strand (C>T on the coding strand, the complement: PLEC is on the minus strand). VCF-style: chr8-143919855-G-A. GRCh37 (hg19) VCF-style: chr8-144994023-G-A.
Other names: p.Val3308=; c.10047C>T, p.Val3349= (NM_000445.5); c.9924C>T, p.Val3308= (NM_201378.4); c.9900C>T, p.Val3300= (NM_201379.3); c.10377C>T, p.Val3459= (NM_201380.4); c.9870C>T, p.Val3290= (NM_201381.3); c.9966C>T, p.Val3322= (NM_201382.4); c.9978C>T, p.Val3326= (NM_201383.3).
Identifiers: ClinVar variation 129919 (VCV000129919.20), dbSNP rs35613096, ClinGen allele CA154308.

ClinVar aggregate classification (germline): Benign. Review status: criteria provided, multiple submitters, no conflicts (2 of 4 stars). 6 submissions from 6 submitters: Benign (5). 1 of the submissions does not count toward it. Last evaluated 2026-02-03.

Conditions:
Epidermolysis bullosa simplex 5C, with pyloric atresia (EBS5C). Also called: PLEC-Related Epidermolysis Bullosa with Pyloric Atresia; Epidermolysis bullosa simplex with pyloric atresia; PLEC1-Related Epidermolysis Bullosa with Pyloric Atresia. Identifiers: Orphanet 158684, MedGen C2677349, MONDO:0012807, OMIM 612138.
Autosomal recessive limb-girdle muscular dystrophy type 2Q (LGMDR17). Also called: MUSCULAR DYSTROPHY, LIMB-GIRDLE, AUTOSOMAL RECESSIVE 17. Identifiers: Orphanet 254361, MedGen C3150989, MONDO:0013390, OMIM 613723.
Epidermolysis bullosa simplex with nail dystrophy (EBS5D). Identifiers: MedGen C4225309, MONDO:0014661, OMIM 616487.
Epidermolysis bullosa simplex 5B, with muscular dystrophy (EBS5B). Also called: Epidermolysis bullosa simplex with muscular dystrophy; EPIDERMOLYSIS BULLOSA SIMPLEX AND LIMB-GIRDLE MUSCULAR DYSTROPHY. Identifiers: Orphanet 257, MedGen C2931072, MONDO:0009181, OMIM 226670.
Epidermolysis bullosa simplex, Ogna type (EBS5A). Also called: Pidermolysis bullosa simplex 5A, Ogna type; EPIDERMOLYSIS BULLOSA SIMPLEX 5A, OGNA TYPE. Identifiers: Orphanet 79401, MedGen C0432317, MONDO:0007555, OMIM 131950.

Allele frequency attached by ClinVar (database versions not stated): gnomAD exomes 0.00070 and 0.00161; ESP Exome Variant Server 0.00645; gnomAD 0.00651 and 0.00611; TOPMed 0.00652; 1000 Genomes Project 0.00779; 1000 Genomes Project 30x 0.00812; ExAC 0.00202.
gnomAD v4.1: 2,028 of 1,613,136 alleles (0.13%); highest among the groups gnomAD compares: African/African-American, 2.3%; 17 homozygotes.

Submissions (6):

Labcorp Genetics (formerly Invitae), Labcorp
Classification: Benign for Autosomal recessive limb-girdle muscular dystrophy type 2Q; Epidermolysis bullosa simplex, Ogna type; Epidermolysis bullosa simplex with nail dystrophy; Epidermolysis bullosa simplex 5C, with pyloric atresia; Epidermolysis bullosa simplex 5B, with muscular dystrophy. Last evaluated: 2026-02-03. Review status: criteria provided, single submitter. Criteria: Invitae Variant Classification Sherloc (09022015). Collection method: clinical testing. Allele origin: germline.

Mayo Clinic Laboratories, Mayo Clinic
Classification: Benign. Last evaluated: 2025-03-27. Review status: criteria provided, single submitter. Criteria: ACMG Guidelines, 2015. Collection method: clinical testing. Allele origin: germline. Observed: 5 variant alleles.

Athena Diagnostics
Classification: Benign. Last evaluated: 2024-08-29. Review status: criteria provided, single submitter. Criteria: Athena Diagnostics Criteria. Collection method: clinical testing. Allele origin: unknown.

GeneDx
Classification: Benign. Last evaluated: 2016-11-23. Review status: criteria provided, single submitter. Criteria: GeneDx Variant Classification (06012015). Collection method: clinical testing. Allele origin: germline. Affected: yes.
Comment: This variant is considered likely benign or benign based on one or more of the following criteria: it is a conservative change, it occurs at a poorly conserved position in the protein, it is predicted to be benign by multiple in silico algorithms, and/or has population frequency not consistent with disease.

Breakthrough Genomics
Classification: Benign. Review status: criteria provided, single submitter. Criteria: ACMG Guidelines, 2015. Collection method: not provided. Allele origin: germline. Inheritance: Autosomal recessive inheritance. Affected: yes.

Genetic Services Laboratory, University of Chicago
Classification: Likely benign for AllHighlyPenetrant. Review status: no assertion criteria provided. Collection method: clinical testing. Allele origin: germline. Inheritance: Autosomal recessive inheritance. Not counted in ClinVar's aggregate classification.
Comment: Likely benign based on allele frequency in 1000 Genomes Project or ESP global frequency and its presence in a patient with a rare or unrelated disease phenotype. NOT Sanger confirmed.